The following is an entry in ClinVar:

ClinVar aggregate classification (germline): Uncertain significance (1 of 4 stars; one submission).

Conditions:
Hypermethioninemia with deficiency of S-adenosylhomocysteine hydrolase. Identifiers: Orphanet 88618, MedGen C3151058, MONDO:0013404, OMIM 613752.

Submission:

Labcorp Genetics (formerly Invitae), Labcorp
Classification: Uncertain significance for Hypermethioninemia with deficiency of S-adenosylhomocysteine hydrolase. Last evaluated: 2022-01-16. Review status: criteria provided, single submitter. Criteria: Invitae Variant Classification Sherloc (09022015). Collection method: clinical testing. Allele origin: germline.
Comment: In summary, the available evidence is currently insufficient to determine the role of this variant in disease. Therefore, it has been classified as a Variant of Uncertain Significance. Algorithms developed to predict the effect of missense changes on protein structure and function output the following: SIFT: "Not Available"; PolyPhen-2: "Benign"; Align-GVGD: "Not Available". The valine amino acid residue is found in multiple mammalian species, which suggests that this missense change does not adversely affect protein function. This variant has not been reported in the literature in individuals affected with AHCY-related conditions. This variant is not present in population databases (gnomAD no frequency). This sequence change replaces isoleucine, which is neutral and non-polar, with valine, which is neutral and non-polar, at codon 295 of the AHCY protein (p.Ile295Val).

NM_000687.4(AHCY):c.883A>G (p.Ile295Val)

Gene: AHCY (adenosylhomocysteinase; minus strand). Cytogenetic location: 20q11.22.
Variant type: single nucleotide variant.
Coding change: c.883A>G on transcript NM_000687.4 (MANE Select); coding-DNA position 883, A replaced by G.
Protein change: p.Ile295Val; replaces isoleucine 295 with valine.
Molecular consequence: missense variant.
Genome position (GRCh38, 1-based): chr20:34,290,421, T>C on the plus strand (A>G on the coding strand, the complement: AHCY is on the minus strand). VCF-style: chr20-34290421-T-C. GRCh37 (hg19) VCF-style: chr20-32878227-T-C.
Other names: c.799A>G, p.Ile267Val (NM_001161766.2, NM_001322084.2, NM_001322085.2); c.889A>G, p.Ile297Val (NM_001322086.2); c.883A>G, p.Ile295Val (NM_001362750.2); short protein forms I295V, I297V, I267V.
Identifiers: ClinVar variation 2086169 (VCV002086169.4), dbSNP rs2515172679, ClinGen allele CA408656863.